The following is an entry in ClinVar:

NM_024529.5(CDC73):c.*2677G>A

Gene: CDC73 (cell division cycle 73; plus strand). Cytogenetic location: 1q31.2.
Variant type: single nucleotide variant.
Coding change: c.*2677G>A on transcript NM_024529.5 (MANE Select); 2677 bases downstream of the stop codon, G replaced by A.
Molecular consequence: 3 prime UTR variant.
Genome position (GRCh38, 1-based): chr1:193,253,389, G>A. VCF-style: chr1-193253389-G-A. GRCh37 (hg19) VCF-style: chr1-193222519-G-A.
Identifiers: ClinVar variation 294453 (VCV000294453.5), dbSNP rs192018514, ClinGen allele CA10609229.

ClinVar aggregate classification (germline): Benign/Likely benign. Review status: criteria provided, single submitter (1 of 4 stars). 3 submissions from 1 submitter: Benign (2); Likely benign (1). Last evaluated 2018-01-12.

Conditions:
Hyperparathyroidism 2 with jaw tumors. Also called: Hyperparathyroidism 2; HYPERPARATHYROIDISM, FAMILIAL PRIMARY, WITH MULTIPLE OSSIFYING JAW FIBROMAS; HYPERPARATHYROIDISM-JAW TUMOR SYNDROME, HEREDITARY; Hyperparathyroidism-Jaw Tumor Syndrome. Identifiers: Orphanet 99880, MedGen C1704981, MONDO:0007768, OMIM 145001.
Hyperparathyroidism 1 (HRPT1). Also called: HYPERPARATHYROIDISM, FAMILIAL ISOLATED PRIMARY. Identifiers: Orphanet 99879, MedGen C1840402, MONDO:0007767, OMIM 145000.
Parathyroid carcinoma (PRTC). Also called: Parathyroid gland carcinoma; CDC73-Related Parathyroid Carcinoma. Identifiers: Orphanet 143, MedGen C0687150, MONDO:0012004, OMIM 608266, HP:0006780.

Allele frequency attached by ClinVar (database versions not stated): gnomAD 0.00010 and 0.00014; 1000 Genomes Project 30x 0.00062; TOPMed 0.00017; 1000 Genomes Project 0.00040; gnomAD exomes 0.00049.
gnomAD v4.1: 57 of 232,492 alleles (0.025%); highest among the groups gnomAD compares: East Asian, 0.34%; 1 homozygote.

Submissions (3):

Illumina Laboratory Services, Illumina
Classification: Likely benign for Hyperparathyroidism 1. Last evaluated: 2018-01-12. Review status: criteria provided, single submitter. Criteria: ICSL Variant Classification Criteria 13 December 2019. Collection method: clinical testing. Allele origin: germline.
Comment: This variant was observed in the ICSL laboratory as part of a predisposition screen in an ostensibly healthy population. It had not been previously curated by ICSL or reported in the Human Gene Mutation Database (HGMD: prior to June 1st, 2018), and was therefore a candidate for classification through an automated scoring system. Utilizing variant allele frequency, disease prevalence and penetrance estimates, and inheritance mode, an automated score was calculated to assess if this variant is too frequent to cause the disease. Based on the score and internal cut-off values, a variant classified as likely benign is not then subjected to further curation. The score for this variant resulted in a classification of likely benign for this disease.

Illumina Laboratory Services, Illumina
Classification: Benign for Hyperparathyroidism 2 with jaw tumors. Last evaluated: 2018-01-12. Review status: criteria provided, single submitter. Criteria: ICSL Variant Classification Criteria 13 December 2019. Collection method: clinical testing. Allele origin: germline.
Comment: This variant was observed in the ICSL laboratory as part of a predisposition screen in an ostensibly healthy population. It had not been previously curated by ICSL or reported in the Human Gene Mutation Database (HGMD: prior to June 1st, 2018), and was therefore a candidate for classification through an automated scoring system. Utilizing variant allele frequency, disease prevalence and penetrance estimates, and inheritance mode, an automated score was calculated to assess if this variant is too frequent to cause the disease. Based on the score and internal cut-off values, a variant classified as benign is not then subjected to further curation. The score for this variant resulted in a classification of benign for this disease.

Illumina Laboratory Services, Illumina
Classification: Benign for Parathyroid carcinoma. Last evaluated: 2018-01-12. Review status: criteria provided, single submitter. Criteria: ICSL Variant Classification Criteria 13 December 2019. Collection method: clinical testing. Allele origin: germline.
Comment: the same text as in the submission from Illumina Laboratory Services, Illumina above.